The following is an entry in ClinVar:

NM_006073.4(TRDN):c.57_58insTTTT (p.Lys20delinsPheTer)

Gene: TRDN (triadin; minus strand). Cytogenetic location: 6q22.31.
Variant type: Insertion.
Coding change: c.57_58insTTTT on transcript NM_006073.4 (MANE Select); coding-DNA positions 57 to 58, TTTT inserted.
Protein change: p.Lys20delinsPheTer.
Molecular consequence: nonsense. On other transcripts: frameshift variant (1).
Genome position: GRCh38 VCF-style: chr6-123571097-T-TAAAA. GRCh37 (hg19) VCF-style: chr6-123892242-T-TAAAA.
Other names: c.57_58insTTTT, p.Lys20delinsPheTer (NM_001251987.2, NM_001256020.2, NM_001256021.2 and 1 more transcripts); c.57_58insTTTT, p.Lys20Phefs (NM_001407315.1).
Identifiers: ClinVar variation 1749169 (VCV001749169.3), dbSNP rs762402822, ClinGen allele CA3984486.

ClinVar aggregate classification (germline): Pathogenic. Review status: criteria provided, multiple submitters, no conflicts (2 of 4 stars). 2 submissions from 2 submitters: Pathogenic (2). Last evaluated 2025-03-03.

Conditions:
Catecholaminergic polymorphic ventricular tachycardia 1. Also called: VENTRICULAR TACHYCARDIA, CATECHOLAMINERGIC POLYMORPHIC, 1, WITH OR WITHOUT ATRIAL DYSFUNCTION AND/OR DILATED CARDIOMYOPATHY; VENTRICULAR TACHYCARDIA, STRESS-INDUCED POLYMORPHIC 1; RYR2-Related Catecholaminergic Polymorphic Ventricular Tachycardia. Identifiers: Orphanet 3286, MedGen C1631597, MONDO:0011484, OMIM 604772.
Cardiovascular phenotype. Identifiers: MedGen CN230736.

Allele frequency attached by ClinVar (database versions not stated): ExAC 0.00001; gnomAD 0.00001; TOPMed 0.00001; gnomAD exomes 0.00002.

Submissions (2):

Labcorp Genetics (formerly Invitae), Labcorp
Classification: Pathogenic for Catecholaminergic polymorphic ventricular tachycardia 1. Last evaluated: 2025-03-03. Review status: criteria provided, single submitter. Criteria: Invitae Variant Classification Sherloc (09022015). Collection method: clinical testing. Allele origin: germline.
Comment: This sequence change creates a premature translational stop signal (p.Lys20Phefs*2) in the TRDN gene. It is expected to result in an absent or disrupted protein product. Loss-of-function variants in TRDN are known to be pathogenic (PMID: 22422768, 25922419, 26200674, 30649896). This variant is present in population databases (rs762402822, gnomAD 0.002%). This variant has not been reported in the literature in individuals affected with TRDN-related conditions. ClinVar contains an entry for this variant (Variation ID: 1749169). For these reasons, this variant has been classified as Pathogenic.

Ambry Genetics
Classification: Pathogenic for Cardiovascular phenotype. Last evaluated: 2019-08-29. Review status: criteria provided, single submitter. Criteria: Ambry Variant Classification Scheme 2023. Collection method: clinical testing. Allele origin: germline.
Comment: The c.57_58insTTTT pathogenic mutation, located in coding exon 2 of the TRDN gene, results from an insertion of 4 nucleotides at position 57, causing a translational frameshift with a predicted alternate stop codon (p.K20Ffs*2). This alteration is expected to result in loss of function by premature protein truncation or nonsense-mediated mRNA decay. As such, this alteration is interpreted as a disease-causing mutation.

Literature cited by the submitters: PubMed 22422768 (cited by Labcorp Genetics (formerly Invitae), Labcorp); PubMed 25922419 (cited by Labcorp Genetics (formerly Invitae), Labcorp); PubMed 26200674 (cited by Labcorp Genetics (formerly Invitae), Labcorp); PubMed 30649896 (cited by Labcorp Genetics (formerly Invitae), Labcorp).